The following is an entry in ClinVar:

ClinVar aggregate classification (germline): Uncertain significance. Review status: criteria provided, multiple submitters, no conflicts (2 of 4 stars). 3 submissions from 3 submitters: Uncertain significance (3). Last evaluated 2024-10-01.

Conditions:
Inborn genetic diseases. Identifiers: MedGen C0950123, MeSH D030342.
Autosomal dominant nonsyndromic hearing loss 4A. Also called: Deafness, autosomal dominant 4A. Identifiers: Orphanet 90635, MedGen C1833503, MONDO:0010915, OMIM 600652.

Allele frequency attached by ClinVar (database versions not stated): gnomAD exomes 0.00002 and 0.00004; TOPMed 0.00002; gnomAD 0.00003 and 0.00004; ESP Exome Variant Server 0.00008.
gnomAD v4.1: 32 of 1,551,582 alleles (0.0021%); highest among the groups gnomAD compares: South Asian, 0.0083%; no homozygotes.

Submissions (3):

Ambry Genetics
Classification: Uncertain significance for Inborn genetic diseases. Last evaluated: 2024-10-01. Review status: criteria provided, single submitter. Criteria: Ambry Variant Classification Scheme 2023. Collection method: clinical testing. Allele origin: germline.

Labcorp Genetics (formerly Invitae), Labcorp
Classification: Uncertain significance. Last evaluated: 2022-02-05. Review status: criteria provided, single submitter. Criteria: Invitae Variant Classification Sherloc (09022015). Collection method: clinical testing. Allele origin: germline.
Comment: In summary, the available evidence is currently insufficient to determine the role of this variant in disease. Therefore, it has been classified as a Variant of Uncertain Significance. Algorithms developed to predict the effect of missense changes on protein structure and function are either unavailable or do not agree on the potential impact of this missense change (SIFT: "Deleterious"; PolyPhen-2: "Benign"; Align-GVGD: "Class C35"). ClinVar contains an entry for this variant (Variation ID: 892855). This variant has not been reported in the literature in individuals affected with MYH14-related conditions. This variant is present in population databases (rs373207210, gnomAD 0.02%). This sequence change replaces arginine, which is basic and polar, with glutamine, which is neutral and polar, at codon 1104 of the MYH14 protein (p.Arg1104Gln).

Illumina Laboratory Services, Illumina
Classification: Uncertain significance for Autosomal dominant nonsyndromic hearing loss 4A. Last evaluated: 2018-01-13. Review status: criteria provided, single submitter. Criteria: ICSL Variant Classification Criteria 13 December 2019. Collection method: clinical testing. Allele origin: germline.

NM_001145809.2(MYH14):c.3434G>A (p.Arg1145Gln)

Gene: MYH14 (myosin heavy chain 14; plus strand). Cytogenetic location: 19q13.33.
Variant type: single nucleotide variant.
Coding change: c.3434G>A on transcript NM_001145809.2 (MANE Select); coding-DNA position 3434, G replaced by A.
Protein change: p.Arg1145Gln; replaces arginine 1145 with glutamine.
Molecular consequence: missense variant.
Genome position (GRCh38, 1-based): chr19:50,272,698, G>A. VCF-style: chr19-50272698-G-A. GRCh37 (hg19) VCF-style: chr19-50775955-G-A.
Other names: c.3335G>A, p.Arg1112Gln (NM_001077186.2); c.3311G>A, p.Arg1104Gln (NM_024729.4); short protein forms R1104Q, R1145Q, R1112Q.
Identifiers: ClinVar variation 892855 (VCV000892855.12), dbSNP rs373207210, ClinGen allele CA309568378.